The following is an entry in ClinVar:

NM_130384.3(ATRIP):c.665A>C (p.His222Pro)

Genes: ATRIP (ATR interacting protein; plus strand), ATRIP-TREX1 (ATRIP-TREX1 readthrough; plus strand). Cytogenetic location: 3p21.31.
Variant type: single nucleotide variant.
Coding change: c.665A>C on transcript NM_130384.3 (MANE Select); coding-DNA position 665, A replaced by C.
Protein change: p.His222Pro; replaces histidine 222 with proline.
Molecular consequence: missense variant. On other transcripts: non-coding transcript variant (1).
Genome position (GRCh38, 1-based): chr3:48,454,412, A>C. VCF-style: chr3-48454412-A-C. GRCh37 (hg19) VCF-style: chr3-48495812-A-C.
Other names: c.284A>C, p.His95Pro (NM_001271022.2); c.386A>C, p.His129Pro (NM_001271023.2); c.665A>C, p.His222Pro (NM_032166.4); short protein forms H129P, H95P, H222P.
Identifiers: ClinVar variation 4182662 (VCV004182662.1).

ClinVar aggregate classification (germline): Uncertain significance (1 of 4 stars; one submission).

Submission:

Ambry Genetics
Classification: Uncertain significance. Last evaluated: 2025-08-24. Review status: criteria provided, single submitter. Criteria: Ambry Variant Classification Scheme 2023. Collection method: clinical testing. Allele origin: germline.
Comment: The p.H222P variant (also known as c.665A>C), located in coding exon 4 of the ATRIP gene, results from an A to C substitution at nucleotide position 665. The histidine at codon 222 is replaced by proline, an amino acid with similar properties. This amino acid position is conserved. In addition, this alteration is predicted to be tolerated by in silico analysis. Based on the available evidence, the clinical significance of this variant remains unclear.